The following is an entry in ClinVar:

NM_003721.4(RFXANK):c.112G>A (p.Val38Met)

Gene: RFXANK (regulatory factor X associated ankyrin containing protein; plus strand). Cytogenetic location: 19p13.11.
Variant type: single nucleotide variant.
Coding change: c.112G>A on transcript NM_003721.4 (MANE Select); coding-DNA position 112, G replaced by A.
Protein change: p.Val38Met; replaces valine 38 with methionine.
Molecular consequence: missense variant.
Genome position (GRCh38, 1-based): chr19:19,194,058, G>A. VCF-style: chr19-19194058-G-A. GRCh37 (hg19) VCF-style: chr19-19304867-G-A.
Other names: c.112G>A (NM_003721.2); c.112G>A, p.Val38Met (NM_001278727.2, NM_001278728.2, NM_001370233.1 and 6 more transcripts); short protein forms V38M.
Identifiers: ClinVar variation 1052701 (VCV001052701.10), dbSNP rs1290480803, ClinGen allele CA404889883.
Genomic context (GRCh38, chr19:19,194,058, plus strand): 5'-GCCTCAGAACTTGGGGACCCTGAAGACCCCGGAGAGGAGGCTGCAGATGGCTCAGACACT[G>A]TGGTCCTCAGTCTCTTTCCCTGCACCCCTGAGCCTGTGAATCCTGAACCGGATGCCAGTG-3'
Protein context (NP_003712.1, residues 28-48): GEEAADGSDT[Val38Met]VLSLFPCTPE

ClinVar aggregate classification (germline): Uncertain significance. Review status: criteria provided, multiple submitters, no conflicts (2 of 4 stars). 2 submissions from 2 submitters: Uncertain significance (2). Last evaluated 2024-02-05.

Conditions:
MHC class II deficiency. Also called: BLS, TYPE II; Bare lymphocyte syndrome 2. Identifiers: Orphanet 572, MedGen C5447452, MONDO:0008855.
Inborn genetic diseases. Identifiers: MedGen C0950123, MeSH D030342.

Allele frequency attached by ClinVar (database versions not stated): TOPMed below 0.00001; gnomAD 0.00001.

Submissions (2):

Ambry Genetics
Classification: Uncertain significance for Inborn genetic diseases. Last evaluated: 2024-02-05. Review status: criteria provided, single submitter. Criteria: Ambry Variant Classification Scheme 2023. Collection method: clinical testing. Allele origin: germline.

Labcorp Genetics (formerly Invitae), Labcorp
Classification: Uncertain significance for MHC class II deficiency. Last evaluated: 2020-04-23. Review status: criteria provided, single submitter. Criteria: Invitae Variant Classification Sherloc (09022015). Collection method: clinical testing. Allele origin: germline.
Comment: This sequence change replaces valine with methionine at codon 38 of the RFXANK protein (p.Val38Met). The valine residue is moderately conserved and there is a small physicochemical difference between valine and methionine. This variant is not present in population databases (ExAC no frequency). This variant has not been reported in the literature in individuals with RFXANK-related conditions. Algorithms developed to predict the effect of missense changes on protein structure and function are either unavailable or do not agree on the potential impact of this missense change (SIFT: "Tolerated"; PolyPhen-2: "Possibly Damaging"; Align-GVGD: "Class C0"). In summary, the available evidence is currently insufficient to determine the role of this variant in disease. Therefore, it has been classified as a Variant of Uncertain Significance.